The following is an entry in ClinVar:

NM_014915.3(ANKRD26):c.2978A>C (p.Glu993Ala)

Gene: ANKRD26 (ankyrin repeat domain 26; minus strand). Cytogenetic location: 10p12.1.
Variant type: single nucleotide variant.
Coding change: c.2978A>C on transcript NM_014915.3 (MANE Select); coding-DNA position 2978, A replaced by C.
Protein change: p.Glu993Ala; replaces glutamic acid 993 with alanine.
Molecular consequence: missense variant.
Genome position (GRCh38, 1-based): chr10:27,035,472, T>G on the plus strand (A>C on the coding strand, the complement: ANKRD26 is on the minus strand). VCF-style: chr10-27035472-T-G. GRCh37 (hg19) VCF-style: chr10-27324401-T-G.
Other names: p.Glu993Ala; c.2975A>C, p.Glu992Ala (NM_001256053.2); short protein forms E993A, E992A.
Identifiers: ClinVar variation 260464 (VCV000260464.22), dbSNP rs61745662, ClinGen allele CA5448122.

ClinVar aggregate classification (germline): Benign. Review status: criteria provided, multiple submitters, no conflicts (2 of 4 stars). 8 submissions from 8 submitters: Benign (8). Last evaluated 2026-02-01.

Conditions:
Thrombocytopenia 2 (THC2). Also called: ANKRD26-Related Thrombocytopenia. Identifiers: Orphanet 268322, MedGen C1861185, MONDO:0008555, OMIM 188000.

Allele frequency attached by ClinVar (database versions not stated): gnomAD exomes 0.00555 and 0.00219; ExAC 0.00644; 1000 Genomes Project 0.02276; gnomAD 0.02396 and 0.02224; ESP Exome Variant Server 0.02367; TOPMed 0.02539; 1000 Genomes Project 30x 0.02639.
gnomAD v4.1: 6,730 of 1,614,024 alleles (0.42%); highest among the groups gnomAD compares: African/African-American, 8%; 263 homozygotes.

Submissions (8):

Labcorp Genetics (formerly Invitae), Labcorp
Classification: Benign. Last evaluated: 2026-02-01. Review status: criteria provided, single submitter. Criteria: Invitae Variant Classification Sherloc (09022015). Collection method: clinical testing. Allele origin: germline.

ARUP Laboratories, Molecular Genetics and Genomics, ARUP Laboratories
Classification: Benign for Thrombocytopenia 2. Last evaluated: 2025-05-16. Review status: criteria provided, single submitter. Criteria: ARUP Molecular Germline Variant Investigation Process 2024. Collection method: clinical testing. Allele origin: germline.

Mayo Clinic Laboratories, Mayo Clinic
Classification: Benign. Last evaluated: 2024-03-24. Review status: criteria provided, single submitter. Criteria: ACMG Guidelines, 2015. Collection method: clinical testing. Allele origin: germline. Observed: 15 variant alleles.

Genome-Nilou Lab
Classification: Benign for Thrombocytopenia 2. Last evaluated: 2021-12-05. Review status: criteria provided, single submitter. Criteria: ACMG Guidelines, 2015. Collection method: clinical testing. Allele origin: germline. Affected: no.

GeneDx
Classification: Benign. Last evaluated: 2019-01-06. Review status: criteria provided, single submitter. Criteria: GeneDx Variant Classification Process June 2021. Collection method: clinical testing. Allele origin: germline. Affected: yes.

Illumina Laboratory Services, Illumina
Classification: Benign for Thrombocytopenia 2. Last evaluated: 2018-01-12. Review status: criteria provided, single submitter. Criteria: ICSL Variant Classification Criteria 13 December 2019. Collection method: clinical testing. Allele origin: germline.
Comment: This variant was observed in the ICSL laboratory as part of a predisposition screen in an ostensibly healthy population. It had not been previously curated by ICSL or reported in the Human Gene Mutation Database (HGMD: prior to June 1st, 2018), and was therefore a candidate for classification through an automated scoring system. Utilizing variant allele frequency, disease prevalence and penetrance estimates, and inheritance mode, an automated score was calculated to assess if this variant is too frequent to cause the disease. Based on the score and internal cut-off values, a variant classified as benign is not then subjected to further curation. The score for this variant resulted in a classification of benign for this disease.

Breakthrough Genomics
Classification: Benign. Review status: criteria provided, single submitter. Criteria: ACMG Guidelines, 2015. Collection method: not provided. Allele origin: germline. Inheritance: Autosomal dominant inheritance. Affected: yes.

PreventionGenetics, part of Exact Sciences
Classification: Benign. Review status: criteria provided, single submitter. Criteria: ACMG Guidelines, 2015. Collection method: clinical testing. Allele origin: germline.